The following is an entry in ClinVar:

NM_000059.4(BRCA2):c.4776dup (p.Glu1593fs)

Gene: BRCA2 (BRCA2 DNA repair associated; plus strand). Cytogenetic location: 13q13.1.
Variant type: Duplication.
Coding change: c.4776dup on transcript NM_000059.4 (MANE Select); coding-DNA position 4776, one base duplicated (A; older notation c.4776dupA).
Protein change: p.Glu1593fs; shifts the reading frame from glutamic acid 1593.
Molecular consequence: frameshift variant. On other transcripts: non-coding transcript variant (1), intron variant (2).
Genome position (GRCh38, 1-based): chr13:32,339,131, A duplicated; the last of 3 consecutive A bases (chr13:32,339,129-32,339,131); duplicating any one gives the same sequence. VCF-style (leftmost placement, unchanged base first): chr13-32339128-T-TA. GRCh37 (hg19) VCF-style: chr13-32913265-T-TA.
Other names: c.4776dup, p.Glu1593fs (NM_001406719.1, NM_001406720.1, NM_001432077.1); c.1910-5427dup (NM_001406721.1); c.425-5427dup (NM_001406722.1); short protein forms E1593fs.
Identifiers: ClinVar variation 4723253 (VCV004723253.1).

ClinVar aggregate classification (germline): Pathogenic (1 of 4 stars; one submission).

Conditions:
Hereditary breast ovarian cancer syndrome. Also called: Hereditary breast and ovarian cancer syndrome; Hereditary breast and ovarian cancer syndrome (HBOC); Breast and ovarian cancer; BRCA1- and BRCA2-Associated Hereditary Breast and Ovarian Cancer; Hereditary breast and/or ovarian cancer syndrome; Hereditary breast and ovarian cancer. Identifiers: Orphanet 145, MedGen C0677776, MeSH D061325, MONDO:0003582. Disease mechanism: loss of function.

Submission:

Labcorp Genetics (formerly Invitae), Labcorp
Classification: Pathogenic for Hereditary breast ovarian cancer syndrome. Last evaluated: 2025-07-15. Review status: criteria provided, single submitter. Criteria: Invitae Variant Classification Sherloc (09022015). Collection method: clinical testing. Allele origin: germline.
Comment: This sequence change creates a premature translational stop signal (p.Glu1593Argfs*8) in the BRCA2 gene. It is expected to result in an absent or disrupted protein product. Loss-of-function variants in BRCA2 are known to be pathogenic (PMID: 20104584). This variant is not present in population databases (gnomAD no frequency). This variant has not been reported in the literature in individuals affected with BRCA2-related conditions. For these reasons, this variant has been classified as Pathogenic.

Literature cited by the submitters: PubMed 20104584.